The following is an entry in ClinVar:

NM_001127222.2(CACNA1A):c.3335T>C (p.Met1112Thr)

Gene: CACNA1A (calcium voltage-gated channel subunit alpha1 A; minus strand). Cytogenetic location: 19p13.13.
Variant type: single nucleotide variant.
Coding change: c.3335T>C on transcript NM_001127222.2 (MANE Select); coding-DNA position 3335, T replaced by C.
Protein change: p.Met1112Thr; replaces methionine 1112 with threonine.
Molecular consequence: missense variant.
Genome position (GRCh38, 1-based): chr19:13,286,721, A>G on the plus strand (T>C on the coding strand, the complement: CACNA1A is on the minus strand). VCF-style: chr19-13286721-A-G. GRCh37 (hg19) VCF-style: chr19-13397535-A-G.
Other names: c.3347T>C, p.Met1116Thr (NM_000068.4, NM_023035.3); c.3338T>C, p.Met1113Thr (NM_001127221.2, NM_001174080.2); short protein forms M1112T, M1113T, M1116T.
Identifiers: ClinVar variation 3763688 (VCV003763688.2).

ClinVar aggregate classification (germline): Uncertain significance (1 of 4 stars; one submission).

Conditions:
Episodic ataxia type 2 (EA2). Also called: ATAXIA, EPISODIC, WITH NYSTAGMUS; ATAXIA, FAMILIAL PAROXYSMAL; ACETAZOLAMIDE-RESPONSIVE HEREDITARY PAROXYSMAL CEREBELLAR ATAXIA; CEREBELLAR ATAXIA, PAROXYSMAL, ACETAZOLAMIDE-RESPONSIVE; CEREBELLOPATHY, HEREDITARY PAROXYSMAL; EPISODIC ATAXIA, NYSTAGMUS-ASSOCIATED. Identifiers: Orphanet 97, MedGen C1720416, MONDO:0007163, OMIM 108500.
Developmental and epileptic encephalopathy, 42 (DEE42A). Also called: Epileptic encephalopathy, early infantile, 42; DEVELOPMENTAL AND EPILEPTIC ENCEPHALOPATHY 42A; EPILEPTIC ENCEPHALOPATHY, EARLY INFANTILE, 42A. Identifiers: MedGen C4310716, MONDO:0014917, OMIM 617106.

Submission:

Labcorp Genetics (formerly Invitae), Labcorp
Classification: Uncertain significance for Developmental and epileptic encephalopathy, 42; Episodic ataxia type 2. Last evaluated: 2024-09-12. Review status: criteria provided, single submitter. Criteria: Invitae Variant Classification Sherloc (09022015). Collection method: clinical testing. Allele origin: germline.
Comment: This sequence change replaces methionine, which is neutral and non-polar, with threonine, which is neutral and polar, at codon 1113 of the CACNA1A protein (p.Met1113Thr). This variant is not present in population databases (gnomAD no frequency). This variant has not been reported in the literature in individuals affected with CACNA1A-related conditions. Invitae Evidence Modeling of protein sequence and biophysical properties (such as structural, functional, and spatial information, amino acid conservation, physicochemical variation, residue mobility, and thermodynamic stability) indicates that this missense variant is not expected to disrupt CACNA1A protein function with a negative predictive value of 95%. In summary, the available evidence is currently insufficient to determine the role of this variant in disease. Therefore, it has been classified as a Variant of Uncertain Significance.